The following is an entry in ClinVar:

NM_001113378.2(FANCI):c.811ATT[1] (p.Ile272del)

Gene: FANCI (FA complementation group I; plus strand). Cytogenetic location: 15q26.1.
Variant type: Microsatellite.
Coding change: c.811ATT[1] on transcript NM_001113378.2 (MANE Select); one copy of the 3-base unit ATT starting at c.811; the reference has two copies in a row; one copy, 3 bases deleted.
Protein change: p.Ile272del; deletes isoleucine 272.
Genome position (GRCh38, 1-based): chr15:89,268,457-89,268,459, ATT deleted; deleting any 3 consecutive bases within chr15:89,268,454-89,268,459 gives the same sequence; the position shown is the placement nearest the transcript's 3' end. VCF-style (leftmost placement, unchanged base first): chr15-89268453-CATT-C. GRCh37 (hg19) VCF-style: chr15-89811684-CATT-C.
Other names: c.532ATT[1], p.Ile179del (NM_001376910.1); c.811ATT[1], p.Ile272del (NM_001376911.1, NM_018193.3); short protein forms I179del, I272del.
Identifiers: ClinVar variation 4797732 (VCV004797732.1).

ClinVar aggregate classification (germline): Uncertain significance (1 of 4 stars; one submission).

Conditions:
Fanconi anemia (FA). Also called: Fanconi's anemia. Identifiers: Orphanet 84, MedGen C0015625, MeSH D005199, MONDO:0019391.

Submission:

Labcorp Genetics (formerly Invitae), Labcorp
Classification: Uncertain significance for Fanconi anemia. Last evaluated: 2025-08-15. Review status: criteria provided, single submitter. Criteria: Invitae Variant Classification Sherloc (09022015). Collection method: clinical testing. Allele origin: germline.
Comment: This variant, c.814_816del, results in the deletion of 1 amino acid(s) of the FANCI protein (p.Ile272del), but otherwise preserves the integrity of the reading frame. This variant is not present in population databases (gnomAD no frequency). This variant has not been reported in the literature in individuals affected with FANCI-related conditions. Experimental studies and prediction algorithms are not available or were not evaluated, and the functional significance of this variant is currently unknown. In summary, the available evidence is currently insufficient to determine the role of this variant in disease. Therefore, it has been classified as a Variant of Uncertain Significance.